The following is an entry in ClinVar:

ClinVar aggregate classification (germline): Uncertain significance (1 of 4 stars; one submission).

Conditions:
Hajdu-Cheney syndrome (HJCYS). Also called: Acroosteolysis dominant type; ACROOSTEOLYSIS WITH OSTEOPOROSIS AND CHANGES IN SKULL AND MANDIBLE; SERPENTINE FIBULA-POLYCYSTIC KIDNEY SYNDROME. Identifiers: Orphanet 955, MedGen C0917715, MONDO:0007057, OMIM 102500.

Submission:

Labcorp Genetics (formerly Invitae), Labcorp
Classification: Uncertain significance for Hajdu-Cheney syndrome. Last evaluated: 2024-12-30. Review status: criteria provided, single submitter. Criteria: Invitae Variant Classification Sherloc (09022015). Collection method: clinical testing. Allele origin: germline.
Comment: This sequence change replaces leucine, which is neutral and non-polar, with phenylalanine, which is neutral and non-polar, at codon 2045 of the NOTCH2 protein (p.Leu2045Phe). This variant is not present in population databases (gnomAD no frequency). This variant has not been reported in the literature in individuals affected with NOTCH2-related conditions. Invitae Evidence Modeling of protein sequence and biophysical properties (such as structural, functional, and spatial information, amino acid conservation, physicochemical variation, residue mobility, and thermodynamic stability) has been performed for this missense variant. However, the output from this modeling did not meet the statistical confidence thresholds required to predict the impact of this variant on NOTCH2 protein function. In summary, the available evidence is currently insufficient to determine the role of this variant in disease. Therefore, it has been classified as a Variant of Uncertain Significance.

NM_024408.4(NOTCH2):c.6133C>T (p.Leu2045Phe)

Gene: NOTCH2 (notch receptor 2; minus strand). Cytogenetic location: 1p12.
Variant type: single nucleotide variant.
Coding change: c.6133C>T on transcript NM_024408.4 (MANE Select); coding-DNA position 6133, C replaced by T.
Protein change: p.Leu2045Phe; replaces leucine 2045 with phenylalanine.
Molecular consequence: missense variant.
Genome position (GRCh38, 1-based): chr1:119,916,589, G>A on the plus strand (C>T on the coding strand, the complement: NOTCH2 is on the minus strand). VCF-style: chr1-119916589-G-A. GRCh37 (hg19) VCF-style: chr1-120459212-G-A.
Other names: short protein forms L2045F.
Identifiers: ClinVar variation 3671104 (VCV003671104.2).